The following is an entry in ClinVar:

ClinVar aggregate classification (germline): Uncertain significance (1 of 4 stars; one submission).

Submission:

Labcorp Genetics (formerly Invitae), Labcorp
Classification: Uncertain significance. Last evaluated: 2022-08-05. Review status: criteria provided, single submitter. Criteria: Invitae Variant Classification Sherloc (09022015). Collection method: clinical testing. Allele origin: germline.
Comment: This sequence change replaces alanine, which is neutral and non-polar, with serine, which is neutral and polar, at codon 707 of the ADAMTSL4 protein (p.Ala707Ser). In summary, the available evidence is currently insufficient to determine the role of this variant in disease. Therefore, it has been classified as a Variant of Uncertain Significance. Algorithms developed to predict the effect of missense changes on protein structure and function (SIFT, PolyPhen-2, Align-GVGD) all suggest that this variant is likely to be tolerated. This variant has not been reported in the literature in individuals affected with ADAMTSL4-related conditions. This variant is not present in population databases (gnomAD no frequency).

NM_019032.6(ADAMTSL4):c.2119G>T (p.Ala707Ser)

Genes: ADAMTSL4 (ADAMTS like 4; plus strand), ADAMTSL4-AS2 (ADAMTSL4 antisense RNA 2; minus strand). Cytogenetic location: 1q21.2.
Variant type: single nucleotide variant.
Coding change: c.2119G>T on transcript NM_019032.6 (MANE Select); coding-DNA position 2119, G replaced by T.
Protein change: p.Ala707Ser; replaces alanine 707 with serine.
Molecular consequence: missense variant.
Genome position (GRCh38, 1-based): chr1:150,557,565, G>T. VCF-style: chr1-150557565-G-T. GRCh37 (hg19) VCF-style: chr1-150530041-G-T.
Other names: c.2002G>T, p.Ala668Ser (NM_001288607.2); c.2188G>T, p.Ala730Ser (NM_001288608.2); c.2119G>T, p.Ala707Ser (NM_001378596.1, NM_025008.5); short protein forms A668S, A730S, A707S.
Identifiers: ClinVar variation 1975736 (VCV001975736.3), dbSNP rs780562270, ClinGen allele CA342314240.